The following is an entry in ClinVar:

NM_007327.4(GRIN1):c.940A>G (p.Ile314Val)

Gene: GRIN1 (glutamate ionotropic receptor NMDA type subunit 1; plus strand). Cytogenetic location: 9q34.3.
Variant type: single nucleotide variant.
Coding change: c.940A>G on transcript NM_007327.4 (MANE Select); coding-DNA position 940, A replaced by G.
Protein change: p.Ile314Val; replaces isoleucine 314 with valine.
Molecular consequence: missense variant.
Genome position (GRCh38, 1-based): chr9:137,157,009, A>G. VCF-style: chr9-137157009-A-G. GRCh37 (hg19) VCF-style: chr9-140051461-A-G.
Other names: c.940A>G, p.Ile314Val (NM_000832.7, NM_021569.4); c.1003A>G, p.Ile335Val (NM_001185090.2, NM_001185091.2); short protein forms I314V, I335V.
Identifiers: ClinVar variation 3376623 (VCV003376623.1).

ClinVar aggregate classification (germline): Uncertain significance (1 of 4 stars; one submission).

Conditions:
Neurodevelopmental disorder with or without hyperkinetic movements and seizures, autosomal dominant. Also called: Intellectual disability, autosomal dominant 8. Identifiers: MedGen C3280282, MONDO:0013655, OMIM 614254.

Submission:

Victorian Clinical Genetics Services, Murdoch Childrens Research Institute
Classification: Uncertain significance for Neurodevelopmental disorder with or without hyperkinetic movements and seizures, autosomal dominant. Last evaluated: 2022-09-02. Review status: criteria provided, single submitter. Criteria: ACMG Guidelines, 2015. Collection method: clinical testing. Allele origin: germline. Inheritance: Autosomal dominant inheritance. Affected: yes.
Comment: Based on the classification scheme VCGS_Germline_v1.3.4, this variant is classified as VUS-3B. Following criteria are met: 0103 - Dominant negative, loss of function and gain of function are reported mechanisms of disease in this gene and have been associated with both autosomal dominant and recessive neurodevelopmental disorder with or without hyperkinetic movements and seizures (MIM#614254, MIM#617820). (I) 0108 - This gene is associated with both recessive and dominant disease. Missense variants located mostly in the N-terminal domain, and NMD-predicted variants, tend to be associated with autosomal recessive disease and a loss of function mechanism. Missense variants with gain of function and dominant negative consequences on protein function, usually found in the C-terminal domain, tend to be associated with dominant disease (PMID: 27164704, PMID: 29365063, OMIM). (I) 0200 - Variant is predicted to result in a missense amino acid change from isoleucine to valine. (I) 0251 - This variant is heterozygous. (I) 0301 - Variant is absent from gnomAD (both v2 and v3). (SP) 0502 - Missense variant with conflicting in silico predictions and uninformative conservation. (I) 0600 - Variant is located in the annotated ANF receptor domain (DECIPHER). (I) 0705 - No comparable missense variants have previous evidence for pathogenicity. (I) 0807 - This variant has no previous evidence of pathogenicity. (I) 0905 - No published segregation evidence has been identified for this variant. (I) 1007 - No published functional evidence has been identified for this variant. (I) 1208 - Inheritance information for this variant is not currently available in this individual. (I) Legend: (SP) - Supporting pathogenic, (I) - Information, (SB) - Supporting benign

Literature cited by the submitters: PubMed 27164704; PubMed 29365063.